The following is an entry in ClinVar:

ClinVar aggregate classification (germline): Likely benign. Review status: criteria provided, multiple submitters, no conflicts (2 of 4 stars). 2 submissions from 2 submitters: Likely benign (2). Last evaluated 2024-05-27.

Allele frequency attached by ClinVar (database versions not stated): TOPMed 0.00010; gnomAD 0.00013; ExAC 0.00015; ESP Exome Variant Server 0.00015.
gnomAD v4.1: 308 of 1,612,306 alleles (0.019%); highest among the groups gnomAD compares: Non-Finnish European, 0.022%; no homozygotes.

Submissions (2):

Blueprint Genetics
Classification: Likely benign. Last evaluated: 2024-05-27. Review status: criteria provided, single submitter. Criteria: ACMG Guidelines, 2015. Collection method: clinical testing. Allele origin: germline.

CeGaT Center for Human Genetics Tuebingen
Classification: Likely benign. Last evaluated: 2022-10-01. Review status: criteria provided, single submitter. Criteria: CeGaT Center For Human Genetics Tuebingen Variant Classification Criteria Version 2. Collection method: clinical testing. Allele origin: germline. Affected: yes. Observed: 1 variant allele.
Comment: PRG4: BP4, BP7

NM_005807.6(PRG4):c.4089C>T (p.Asp1363=)

Genes: PRG4 (proteoglycan 4; plus strand), TPR (translocated promoter region, nuclear basket protein; minus strand). Cytogenetic location: 1q31.1.
Variant type: single nucleotide variant.
Coding change: c.4089C>T on transcript NM_005807.6 (MANE Select); coding-DNA position 4089, C replaced by T.
Protein change: p.Asp1363=; no amino-acid change (aspartic acid 1363 retained).
Molecular consequence: synonymous variant. On other transcripts: 3 prime UTR variant (1).
Genome position (GRCh38, 1-based): chr1:186,312,866, C>T. VCF-style: chr1-186312866-C-T. GRCh37 (hg19) VCF-style: chr1-186281998-C-T.
Other names: c.3966C>T, p.Asp1322= (NM_001127708.3); c.3810C>T, p.Asp1270= (NM_001127709.3); c.3687C>T, p.Asp1229= (NM_001127710.3); c.3960C>T, p.Asp1320= (NM_001303232.2); c.*1105G>A (NM_003292.3).
Identifiers: ClinVar variation 2639665 (VCV002639665.25), dbSNP rs145515394, ClinGen allele CA1296828.